The following is an entry in ClinVar:

ClinVar aggregate classification (germline): Pathogenic/Likely pathogenic. Review status: criteria provided, multiple submitters, no conflicts (2 of 4 stars). 19 submissions from 18 submitters: Pathogenic (14); Likely pathogenic (3). 2 of the submissions do not count toward it. Last evaluated 2025-10-20.

Conditions:
Usher syndrome type 2. Also called: Usher Syndrome Type II. Identifiers: Orphanet 231178, MedGen C0339534, MONDO:0016484.
Usher syndrome. Also called: Usher's syndrome; Usher Syndromes. Identifiers: Orphanet 886, MedGen CN469326, MeSH D052245, MONDO:0019501. Disease mechanism: loss of function.
USH2A-related disorder. Also called: USH2A-related disorders; USH2A-related condition. Identifiers: MedGen CN239332.
Retinal dystrophy. Also called: Inherited retinal dystrophy. Identifiers: Orphanet 71862, MedGen C0854723, MeSH D058499, MONDO:0019118, HP:0000556.
Usher syndrome type 2A. Also called: RETINAL DISEASE IN USHER SYNDROME TYPE IIA, MODIFIER OF; USHER SYNDROME, TYPE IIA. Identifiers: Orphanet 231178, Orphanet 886, MedGen C1848634, MONDO:0010169, OMIM 276901.
Retinitis pigmentosa 39 (RP39). Identifiers: Orphanet 791, MedGen C3151138, MONDO:0013436, OMIM 613809.
Retinal disorder. Also called: Retinopathies; Retinal Diseases; Retinopathy; Retinal disorders. Identifiers: MedGen C0035309, MONDO:0005283, HP:0000488.

Allele frequency attached by ClinVar (database versions not stated): gnomAD exomes 0.00001 and 0.00002; gnomAD 0.00004; TOPMed 0.00005; ExAC 0.00001.
gnomAD v4.1: 22 of 1,612,914 alleles (0.0014%); highest among the groups gnomAD compares: Admixed American, 0.005%; no homozygotes.

Submissions 1 to 14 of 19:

Genetics Laboratory, Great Ormond Street Hospital NHS Foundation Trust, North Thames Genomic Laboratory Hub
Classification: Pathogenic for Retinal disorders. Last evaluated: 2025-10-20. Review status: criteria provided, single submitter. Criteria: ACGS Best Practice Guidelines for Variant Classification in Rare Disease 2024 v1.2. Collection method: clinical testing. Allele origin: germline. Affected: yes.
Comment: PM2_moderate, PP3_supporting, PP1_strong, PM3_very-strong

GeneDx
Classification: Pathogenic. Last evaluated: 2025-09-11. Review status: criteria provided, single submitter. Criteria: GeneDx Variant Classification Process June 2021. Collection method: clinical testing. Allele origin: germline. Affected: yes.
Comment: In silico analysis supports that this missense variant has a deleterious effect on protein structure/function; This variant is associated with the following publications: (PMID: 27460420, 30245029, 32531858, 25356976, 20052763, 10729113, 26338283, 15325563, 28944237, 32319668, 31054281, 31456290, 33598457, 29625443, 32188678, 33124170, 32675063, 33090715, 31964843, 36460718, 31213501, 36110214, 36729443, 36819107, 36785559, 32037395, 32749464, 27318125, 24944099, 33535592, 22135276, 29490346, 35266249, 37798099, 34599366, 38219857, 39443691, 30459346, 38602021, 18273898)

Labcorp Genetics (formerly Invitae), Labcorp
Classification: Pathogenic. Last evaluated: 2025-07-13. Review status: criteria provided, single submitter. Criteria: Invitae Variant Classification Sherloc (09022015). Collection method: clinical testing. Allele origin: germline.
Comment: This sequence change replaces glycine, which is neutral and non-polar, with arginine, which is basic and polar, at codon 268 of the USH2A protein (p.Gly268Arg). This variant is present in population databases (rs111033280, gnomAD 0.005%). This missense change has been observed in individuals with Usher syndrome (PMID: 25356976, 29490346, 29625443). It has also been observed to segregate with disease in related individuals. ClinVar contains an entry for this variant (Variation ID: 48592). Invitae Evidence Modeling of protein sequence and biophysical properties (such as structural, functional, and spatial information, amino acid conservation, physicochemical variation, residue mobility, and thermodynamic stability) indicates that this missense variant is expected to disrupt USH2A protein function with a positive predictive value of 95%. For these reasons, this variant has been classified as Pathogenic.

PreventionGenetics, part of Exact Sciences
Classification: Pathogenic for USH2A-related condition. Last evaluated: 2025-06-16. Review status: criteria provided, single submitter. Criteria: ACMG Guidelines, 2015. Collection method: clinical testing. Allele origin: germline.
Comment: The USH2A c.802G>A variant is predicted to result in the amino acid substitution p.Gly268Arg. This variant has been reported, in the homozygous state or in the heterozygous state with a second probable causative variant, in patients with autosomal recessive Usher syndrome (see, for example, Khalaileh et al. 2018. PubMed ID: 29490346; Sun et al. 2018. PubMed ID: 29625443) and in patients with inherited retinal dystrophy (supplementary data, Huang et al. 2014. PubMed ID: 25356976; Table S2, Liu et al. 2020. PubMed ID: 33090715; Table S1, Lin et al. 2024. PubMed ID: 38219857). This variant is reported in 0.0080% of alleles in individuals of African descent in gnomAD. We classify this variant as pathogenic.

3billion
Classification: Pathogenic for Usher syndrome type 2A. Last evaluated: 2024-12-04. Review status: criteria provided, single submitter. Criteria: ACMG Guidelines, 2015. Collection method: clinical testing. Allele origin: germline. Affected: yes.
Comment: The variant is observed at an extremely low frequency in the gnomAD v4.1.0 dataset (total allele frequency: 0.001%). Predicted Consequence/Location: Missense variant. The majority of the known disease-causing variants of this gene are variants expected to result in premature termination of the protein. In silico tool predictions suggest damaging effect of the variant on gene or gene product [REVEL: 0.90 (>=0.6, sensitivity 0.68 and specificity 0.92); 3Cnet: 0.96 (>=0.6, sensitivity 0.72 and precision 0.9)]. The same nucleotide change resulting in the same amino acid change has been previously reported as pathogenic/likely pathogenic with strong evidence (ClinVar ID: VCV000048592 /PMID: 18273898 /3billion dataset). The variant has been reported to be in trans with a pathogenic variant as either compound heterozygous or homozygous in at least 2 similarly affected unrelated individuals (PMID: 22135276, 27460420, 28944237). Therefore, this variant is classified as Pathogenic according to the recommendation of ACMG/AMP guideline.

Natera, Inc.
Classification: Pathogenic for Usher syndrome type 2A. Last evaluated: 2024-11-09. Review status: criteria provided, single submitter. Criteria: Natera Variant Classification Schema (03/2026). Collection method: clinical testing. Allele origin: germline.
Comment: The c.802G>A variant in USH2A is a missense variant predicted to cause substitution of glycine to arginine at amino acid 268. This variant is rare in the general population with a frequency below the threshold expected for the associated phenotype(s). This variant has been observed in one or more individuals affected with the associated recessive disease, as either homozygous or compound heterozygous with a second variant (PMID: 33124170, 32531858, 27460420). Computational prediction algorithms indicate this variant is likely to affect gene or protein function. Given the available evidence, this variant is classified as Pathogenic.

Blueprint Genetics
Classification: Pathogenic for USH2A-related disorders. Last evaluated: 2024-09-27. Review status: criteria provided, single submitter. Criteria: ACMG Guidelines, 2015. Collection method: clinical testing. Allele origin: germline. Affected: yes. Observed: 5 variant alleles.

Ophthalmic Genetics Group, Institute of Molecular and Clinical Ophthalmology Basel
Classification: Pathogenic for Retinal dystrophy. Last evaluated: 2024-05-27. Review status: criteria provided, single submitter. Criteria: ACMG Guidelines, 2015. Collection method: research. Allele origin: germline. Affected: yes. Observed: 2 variant alleles.
Comment: This variant was classified as Pathogenic based on ACMG criteria: PS1_strong, PM1_sup, PM2_mod, PM3_strong and PP3_sup

Baylor Genetics
Classification: Pathogenic for Retinitis pigmentosa 39. Last evaluated: 2024-03-20. Review status: criteria provided, single submitter. Criteria: ACMG Guidelines, 2015. Collection method: clinical testing. Allele origin: unknown.

Genome-Nilou Lab
Classification: Likely pathogenic for Retinitis pigmentosa 39. Last evaluated: 2023-11-04. Review status: criteria provided, single submitter. Criteria: ACMG Guidelines, 2015. Collection method: clinical testing. Allele origin: germline. Affected: no.

Genome-Nilou Lab
Classification: Likely pathogenic for Usher syndrome type 2A. Last evaluated: 2023-11-04. Review status: criteria provided, single submitter. Criteria: ACMG Guidelines, 2015. Collection method: clinical testing. Allele origin: germline. Affected: no.

Dept Of Ophthalmology, Nagoya University
Classification: Pathogenic for Retinal dystrophy. Last evaluated: 2023-10-01. Review status: criteria provided, single submitter. Criteria: Submitter's publication. Collection method: research. Allele origin: germline. Affected: yes.

Women's Health and Genetics/Laboratory Corporation of America, LabCorp
Classification: Pathogenic for Usher syndrome. Last evaluated: 2023-04-28. Review status: criteria provided, single submitter. Criteria: LabCorp Variant Classification Summary - May 2015. Collection method: clinical testing. Allele origin: germline.
Comment: Variant summary: USH2A c.802G>A (p.Gly268Arg) results in a non-conservative amino acid change located in the LamG-like jellyroll fold domain (IPR006558) of the encoded protein sequence. Five of five in-silico tools predict a damaging effect of the variant on protein function. The variant allele was found at a frequency of 1.6e-05 in 250826 control chromosomes. c.802G>A has been reported in the literature as a compound heterozygous genotype in multiple individuals affected with Usher Syndrome (example, Stabej_2012, Bonnet_2016, Neuhaus_2017, Huang_2015, Weisschuh_2020). These data indicate that the variant is very likely to be associated with disease. To our knowledge, no experimental evidence demonstrating an impact on protein function has been reported. The following publications have been ascertained in the context of this evaluation (PMID: 27460420, 25356976, 28944237, 15325563, 22135276, 32531858, 32637036). Seven clinical diagnostic laboratories have submitted clinical-significance assessments for this variant to ClinVar after 2014 without evidence for independent evaluation. All laboratories classified the variant as pathogenic/likely pathogenic. Based on the evidence outlined above, the variant was classified as pathogenic.

Department of Pathology and Laboratory Medicine, Sinai Health System
Classification: Pathogenic for Usher syndrome type 2A; Retinitis pigmentosa 39. Last evaluated: 2021-07-30. Review status: criteria provided, single submitter. Criteria: ACMG Guidelines, 2015. Collection method: research. Allele origin: germline.

NM_206933.4(USH2A):c.802G>A (p.Gly268Arg)

Gene: USH2A (usherin; minus strand). Cytogenetic location: 1q41.
Variant type: single nucleotide variant.
Coding change: c.802G>A on transcript NM_206933.4 (MANE Select); coding-DNA position 802, G replaced by A.
Protein change: p.Gly268Arg; replaces glycine 268 with arginine.
Molecular consequence: missense variant.
Genome position (GRCh38, 1-based): chr1:216,327,637, C>T on the plus strand (G>A on the coding strand, the complement: USH2A is on the minus strand). VCF-style: chr1-216327637-C-T. GRCh37 (hg19) VCF-style: chr1-216500979-C-T.
Other names: NP_996816.3:p.(Gly268Arg); c.802G>A, p.Gly268Arg (NM_007123.6); short protein forms G268R.
Identifiers: ClinVar variation 48592 (VCV000048592.36), dbSNP rs111033280, ClinGen allele CA143613.